The following is an entry in ClinVar:

ClinVar aggregate classification (germline): Uncertain significance (1 of 4 stars; one submission).

Conditions:
Hereditary cancer-predisposing syndrome. Also called: Neoplastic Syndromes, Hereditary; Tumor predisposition; Hereditary Cancer Syndrome; Hereditary neoplastic syndrome. Identifiers: Orphanet 140162, MedGen C0027672, MeSH D009386, MONDO:0015356.

Submission:

Ambry Genetics
Classification: Uncertain significance for Hereditary cancer-predisposing syndrome. Last evaluated: 2021-12-10. Review status: criteria provided, single submitter. Criteria: Ambry Variant Classification Scheme 2023. Collection method: clinical testing. Allele origin: germline.
Comment: The p.K724T variant (also known as c.2171A>C), located in coding exon 13 of the RAD50 gene, results from an A to C substitution at nucleotide position 2171. The lysine at codon 724 is replaced by threonine, an amino acid with similar properties. This amino acid position is conserved. In addition, this alteration is predicted to be tolerated by in silico analysis. Since supporting evidence is limited at this time, the clinical significance of this alteration remains unclear.

NM_005732.4(RAD50):c.2171A>C (p.Lys724Thr)

Gene: RAD50 (RAD50 double strand break repair protein; plus strand). Cytogenetic location: 5q31.1.
Variant type: single nucleotide variant.
Coding change: c.2171A>C on transcript NM_005732.4 (MANE Select); coding-DNA position 2171, A replaced by C.
Protein change: p.Lys724Thr; replaces lysine 724 with threonine.
Molecular consequence: missense variant.
Genome position (GRCh38, 1-based): chr5:132,595,774, A>C. VCF-style: chr5-132595774-A-C. GRCh37 (hg19) VCF-style: chr5-131931466-A-C.
Other names: short protein forms K724T.
Identifiers: ClinVar variation 1787100 (VCV001787100.2), dbSNP rs2149844236, ClinGen allele CA360950654.